The following is an entry in ClinVar:

ClinVar aggregate classification (germline): Likely benign. Review status: criteria provided, multiple submitters, no conflicts (2 of 4 stars). 3 submissions from 3 submitters: Likely benign (2). 1 of the submissions does not count toward it. Last evaluated 2026-09-01.

Conditions:
RNF213-related disorder. Also called: RNF213-related condition.

Allele frequency attached by ClinVar (database versions not stated): 1000 Genomes Project 0.00140; 1000 Genomes Project 30x 0.00156; ExAC 0.00176; ESP Exome Variant Server 0.00215; gnomAD 0.00229; TOPMed 0.00234; gnomAD exomes 0.00341.
gnomAD v4.1: 5,292 of 1,614,206 alleles (0.33%); highest among the groups gnomAD compares: Non-Finnish European, 0.4%; 13 homozygotes.

Submissions (3):

CeGaT Center for Human Genetics Tuebingen
Classification: Likely benign. Last evaluated: 2026-09-01. Review status: criteria provided, single submitter. Criteria: CeGaT Center For Human Genetics Tuebingen Variant Classification Criteria Version 2. Collection method: clinical testing. Allele origin: germline. Affected: yes. Observed: 4 variant alleles.
Comment: RNF213: BP4, BP7, BS2

Blueprint Genetics
Classification: Likely benign. Last evaluated: 2024-11-20. Review status: criteria provided, single submitter. Criteria: ACMG Guidelines, 2015. Collection method: clinical testing. Allele origin: germline.

PreventionGenetics, part of Exact Sciences
Classification: Likely benign for RNF213-related condition. Last evaluated: 2024-07-11. Review status: no assertion criteria provided. Collection method: clinical testing. Allele origin: germline. Not counted in ClinVar's aggregate classification.
Comment: This variant is classified as likely benign based on ACMG/AMP sequence variant interpretation guidelines (Richards et al. 2015 PMID: 25741868, with internal and published modifications).

NM_001256071.3(RNF213):c.3024+84G>A

Gene: RNF213 (ring finger protein 213; plus strand). Cytogenetic location: 17q25.3.
Variant type: single nucleotide variant.
Coding change: c.3024+84G>A on transcript NM_001256071.3 (MANE Select); 84 bases into the intron after coding-DNA position 3024, G replaced by A.
Molecular consequence: intron variant. On other transcripts: synonymous variant (1).
Genome position (GRCh38, 1-based): chr17:80,319,396, G>A. VCF-style: chr17-80319396-G-A. GRCh37 (hg19) VCF-style: chr17-78293196-G-A.
Other names: c.3108G>A, p.Pro1036= (NM_020954.4); c.3171+84G>A (NM_020914.5, NM_001410195.1); c.3108G>A (NM_020954.3).
Identifiers: ClinVar variation 2498726 (VCV002498726.29), dbSNP rs118128489, ClinGen allele CA8820098.